The following is an entry in ClinVar:

ClinVar aggregate classification (germline): Pathogenic/Likely pathogenic. Review status: criteria provided, multiple submitters, no conflicts (2 of 4 stars). 2 submissions from 2 submitters: Pathogenic (1); Likely pathogenic (1). Last evaluated 2025-10-06.

Conditions:
Camptodactyly-arthropathy-coxa vara-pericarditis syndrome. Also called: FIBROSING SEROSITIS, FAMILIAL; JACOBS SYNDROME; PAC SYNDROME; Arthropathy camptodactyly syndrome; Pericarditis arthropathy camptodactyly syndrome; Congenital familial hypertrophic synovitis. Identifiers: Orphanet 2848, MedGen C1859690, MONDO:0008828, OMIM 208250.
PRG4-related disorder. Also called: PRG4-related condition.

Submissions (2):

3billion
Classification: Pathogenic for Camptodactyly-arthropathy-coxa vara-pericarditis syndrome. Last evaluated: 2025-10-06. Review status: criteria provided, single submitter. Criteria: ACMG Guidelines, 2015. Collection method: clinical testing. Allele origin: germline. Affected: yes.
Comment: The variant is observed at an extremely low frequency in the gnomAD v4.1.0 dataset (total allele frequency: <0.001%). Predicted Consequence/Location: Frameshift: predicted to result in a loss or disruption of normal protein function through nonsense-mediated decay (NMD) or protein truncation. Multiple pathogenic variants are reported downstream of the variant. The variant has been reported to be associated with PRG4-related disorder (3billion dataset). Therefore, this variant is classified as Pathogenic according to the recommendation of ACMG/AMP guideline.

Blueprint Genetics
Classification: Likely pathogenic for PRG4-related disorders. Last evaluated: 2019-09-11. Review status: criteria provided, single submitter. Criteria: ACMG Guidelines, 2015. Collection method: clinical testing. Allele origin: germline. Affected: yes. Observed: 3 variant alleles.

NM_005807.6(PRG4):c.6_7dup (p.Trp3fs)

Gene: PRG4 (proteoglycan 4; plus strand). Cytogenetic location: 1q31.1.
Variant type: Duplication.
Coding change: c.6_7dup on transcript NM_005807.6 (MANE Select); coding-DNA positions 6 to 7, 2 bases duplicated (AT; older notation c.6_7dupAT).
Protein change: p.Trp3fs; shifts the reading frame from tryptophan 3.
Molecular consequence: frameshift variant.
Genome position (GRCh38, 1-based): chr1:186,296,881-186,296,882, AT duplicated. VCF-style (leftmost placement, unchanged base first): chr1-186296880-C-CAT. GRCh37 (hg19) VCF-style: chr1-186266012-C-CAT.
Other names: c.6_7dup, p.Trp3fs (NM_001127708.3, NM_001127709.3, NM_001127710.3 and 1 more transcripts); short protein forms W3fs.
Identifiers: ClinVar variation 4293731 (VCV004293731.3).